The following is an entry in ClinVar:

ClinVar aggregate classification (germline): Uncertain significance. Review status: criteria provided, multiple submitters, no conflicts (2 of 4 stars). 3 submissions from 3 submitters: Uncertain significance (3). Last evaluated 2022-07-28.

Conditions:
Emery-Dreifuss muscular dystrophy 4, autosomal dominant (EDMD4). Also called: EMERY-DREIFUSS MUSCULAR DYSTROPHY 4 WITH VARIABLE FEATURES. Identifiers: Orphanet 261, MedGen C2751807, MONDO:0013071, OMIM 612998.
Autosomal recessive ataxia, Beauce type. Also called: SYNE1-Related Autosomal Recessive Cerebellar Ataxia; Spinocerebellar ataxia, autosomal recessive 8; ATAXIA, RECESSIVE, OF BEAUCE; SYNE1 Deficiency. Identifiers: Orphanet 88644, MedGen C1853116, MONDO:0012549, OMIM 610743.

Allele frequency attached by ClinVar (database versions not stated): ExAC 0.00001; gnomAD exomes 0.00001.
gnomAD v4.1: 12 of 1,614,024 alleles (0.00074%); highest among the groups gnomAD compares: Non-Finnish European, 0.001%; no homozygotes.

Submissions (3):

GeneDx
Classification: Uncertain significance. Last evaluated: 2022-07-28. Review status: criteria provided, single submitter. Criteria: GeneDx Variant Classification Process June 2021. Collection method: clinical testing. Allele origin: germline. Affected: yes.
Comment: Not observed at significant frequency in large population cohorts (gnomAD); In silico analysis supports that this missense variant does not alter protein structure/function; Has not been previously published as pathogenic or benign to our knowledge

Labcorp Genetics (formerly Invitae), Labcorp
Classification: Uncertain significance for Emery-Dreifuss muscular dystrophy 4, autosomal dominant; Autosomal recessive ataxia, Beauce type. Last evaluated: 2021-08-31. Review status: criteria provided, single submitter. Criteria: Invitae Variant Classification Sherloc (09022015). Collection method: clinical testing. Allele origin: germline.
Comment: This sequence change replaces valine with isoleucine at codon 7208 of the SYNE1 protein (p.Val7208Ile). The valine residue is highly conserved and there is a small physicochemical difference between valine and isoleucine. This variant is present in population databases (rs747185019, ExAC 0.001%). This variant has not been reported in the literature in individuals affected with SYNE1-related conditions. ClinVar contains an entry for this variant (Variation ID: 497441). Algorithms developed to predict the effect of missense changes on protein structure and function are either unavailable or do not agree on the potential impact of this missense change (SIFT: "Deleterious"; PolyPhen-2: "Benign"; Align-GVGD: "Class C0"). In summary, the available evidence is currently insufficient to determine the role of this variant in disease. Therefore, it has been classified as a Variant of Uncertain Significance.

Eurofins Ntd Llc (ga)
Classification: Uncertain significance. Last evaluated: 2016-10-07. Review status: criteria provided, single submitter. Criteria: EGL Classification Definitions 2015. Collection method: clinical testing. Allele origin: germline. Observed: 1 variant allele, 1 heterozygote.

NM_182961.4(SYNE1):c.21835G>A (p.Val7279Ile)

Gene: SYNE1 (spectrin repeat containing nuclear envelope protein 1; minus strand). Cytogenetic location: 6q25.2.
Variant type: single nucleotide variant.
Coding change: c.21835G>A on transcript NM_182961.4 (MANE Select); coding-DNA position 21835, G replaced by A.
Protein change: p.Val7279Ile; replaces valine 7279 with isoleucine.
Molecular consequence: missense variant.
Genome position (GRCh38, 1-based): chr6:152,220,868, C>T on the plus strand (G>A on the coding strand, the complement: SYNE1 is on the minus strand). VCF-style: chr6-152220868-C-T. GRCh37 (hg19) VCF-style: chr6-152542003-C-T.
Other names: c.21622G>A (NM_033071.3); c.21622G>A, p.Val7208Ile (NM_033071.5); short protein forms V7208I, V7279I.
Identifiers: ClinVar variation 497441 (VCV000497441.12), dbSNP rs747185019, ClinGen allele CA4054049.